The following is an entry in ClinVar:

NM_024753.5(TTC21B):c.2416G>C (p.Asp806His)

Gene: TTC21B (tetratricopeptide repeat domain 21B; minus strand). Cytogenetic location: 2q24.3.
Variant type: single nucleotide variant.
Coding change: c.2416G>C on transcript NM_024753.5 (MANE Select); coding-DNA position 2416, G replaced by C.
Protein change: p.Asp806His; replaces aspartic acid 806 with histidine.
Molecular consequence: missense variant.
Genome position (GRCh38, 1-based): chr2:165,911,372, C>G on the plus strand (G>C on the coding strand, the complement: TTC21B is on the minus strand). VCF-style: chr2-165911372-C-G. GRCh37 (hg19) VCF-style: chr2-166767882-C-G.
Other names: short protein forms D806H.
Identifiers: ClinVar variation 1422163 (VCV001422163.7), dbSNP rs1685925440, ClinGen allele CA349056959.
Genomic context (GRCh38, chr2:165,911,372, plus strand): 5'-GAAAGACTTTCATACCAGGTTCATGAGCCAGAGCATGCTGAAGAACTTTTTCTGCTTTGT[C>G]ATACCATTTCAATTTTAATAAGAGCTCAGCCAGGTCATAGCAAAGATAATTCTTTTGTCC-3'
Protein context (NP_079029.3, residues 796-816): AELLLKLKWY[Asp806His]KAEKVLQHAL

ClinVar aggregate classification (germline): Uncertain significance. Review status: criteria provided, multiple submitters, no conflicts (2 of 4 stars). 2 submissions from 2 submitters: Uncertain significance (2). Last evaluated 2024-03-20.

Conditions:
Jeune thoracic dystrophy. Also called: Jeune syndrome; Infantile thoracic dystrophy; Thoracic pelvic phalangeal dystrophy; Jeune's syndrome; Chondroectodermal dysplasia-like syndrome; Short-rib thoracic dysplasia. Identifiers: Orphanet 474, MedGen C0265275, MONDO:0018770.
Nephronophthisis. Also called: Juvenile Nephronophthisis. Identifiers: Orphanet 655, MedGen C0687120, MONDO:0019005, HP:0000090.

Allele frequency attached by ClinVar (database versions not stated): gnomAD exomes below 0.00001; gnomAD 0.00001.
gnomAD v4.1: 2 of 1,613,752 alleles (0.00012%); highest among the groups gnomAD compares: African/African-American, 0.0027%; no homozygotes.

Submissions (2):

Blueprint Genetics
Classification: Uncertain significance. Last evaluated: 2024-03-20. Review status: criteria provided, single submitter. Criteria: ACMG Guidelines, 2015. Collection method: clinical testing. Allele origin: germline.

Labcorp Genetics (formerly Invitae), Labcorp
Classification: Uncertain significance for Jeune thoracic dystrophy; Nephronophthisis. Last evaluated: 2022-11-01. Review status: criteria provided, single submitter. Criteria: Invitae Variant Classification Sherloc (09022015). Collection method: clinical testing. Allele origin: germline.
Comment: This sequence change replaces aspartic acid, which is acidic and polar, with histidine, which is basic and polar, at codon 806 of the TTC21B protein (p.Asp806His). This variant is not present in population databases (gnomAD no frequency). This variant has not been reported in the literature in individuals affected with TTC21B-related conditions. ClinVar contains an entry for this variant (Variation ID: 1422163). Advanced modeling of protein sequence and biophysical properties (such as structural, functional, and spatial information, amino acid conservation, physicochemical variation, residue mobility, and thermodynamic stability) performed at Invitae indicates that this missense variant is not expected to disrupt TTC21B protein function. In summary, the available evidence is currently insufficient to determine the role of this variant in disease. Therefore, it has been classified as a Variant of Uncertain Significance.